The following is an entry in ClinVar:

NM_015164.4(PLEKHM2):c.1922-3C>T

Gene: PLEKHM2 (pleckstrin homology and RUN domain containing M2; plus strand). Cytogenetic location: 1p36.21.
Variant type: single nucleotide variant.
Coding change: c.1922-3C>T on transcript NM_015164.4 (MANE Select); 3 bases into the intron before coding-DNA position 1922, C replaced by T.
Molecular consequence: intron variant.
Genome position (GRCh38, 1-based): chr1:15,728,666, C>T. VCF-style: chr1-15728666-C-T. GRCh37 (hg19) VCF-style: chr1-16055161-C-T.
Identifiers: ClinVar variation 1346946 (VCV001346946.6), dbSNP rs1329030614, ClinGen allele CA521266296.

ClinVar aggregate classification (germline): Uncertain significance (1 of 4 stars; one submission).

Allele frequency attached by ClinVar (database versions not stated): gnomAD exomes below 0.00001; TOPMed below 0.00001; gnomAD 0.00001.
gnomAD v4.1: 2 of 1,608,238 alleles (0.00012%); highest among the groups gnomAD compares: Non-Finnish European, 0.00017%; no homozygotes.

Submission:

Labcorp Genetics (formerly Invitae), Labcorp
Classification: Uncertain significance. Last evaluated: 2021-08-15. Review status: criteria provided, single submitter. Criteria: Invitae Variant Classification Sherloc (09022015). Collection method: clinical testing. Allele origin: germline.
Comment: This sequence change falls in intron 11 of the PLEKHM2 gene. It does not directly change the encoded amino acid sequence of the PLEKHM2 protein. It affects a nucleotide within the consensus splice site of the intron. This variant is not present in population databases (ExAC no frequency). This variant has not been reported in the literature in individuals affected with PLEKHM2-related conditions. Variants that disrupt the consensus splice site are a relatively common cause of aberrant splicing (PMID: 17576681, 9536098). Algorithms developed to predict the effect of sequence changes on RNA splicing suggest that this variant is not likely to affect RNA splicing. In summary, the available evidence is currently insufficient to determine the role of this variant in disease. Therefore, it has been classified as a Variant of Uncertain Significance.

Literature cited by the submitters: PubMed 17576681; PubMed 9536098.